The following is an entry in ClinVar:

ClinVar aggregate classification (germline): Uncertain significance. Review status: criteria provided, multiple submitters, no conflicts (2 of 4 stars). 2 submissions from 2 submitters: Uncertain significance (2). Last evaluated 2022-08-22.

Allele frequency attached by ClinVar (database versions not stated): gnomAD exomes below 0.00001; gnomAD 0.00001; TOPMed 0.00001.

Submissions (2):

Labcorp Genetics (formerly Invitae), Labcorp
Classification: Uncertain significance. Last evaluated: 2022-08-22. Review status: criteria provided, single submitter. Criteria: Invitae Variant Classification Sherloc (09022015). Collection method: clinical testing. Allele origin: germline.
Comment: In summary, the available evidence is currently insufficient to determine the role of this variant in disease. Therefore, it has been classified as a Variant of Uncertain Significance. Algorithms developed to predict the effect of missense changes on protein structure and function (SIFT, PolyPhen-2, Align-GVGD) all suggest that this variant is likely to be disruptive. ClinVar contains an entry for this variant (Variation ID: 426906). This variant has not been reported in the literature in individuals affected with CDK5RAP2-related conditions. This variant is not present in population databases (gnomAD no frequency). This sequence change replaces methionine, which is neutral and non-polar, with threonine, which is neutral and polar, at codon 1221 of the CDK5RAP2 protein (p.Met1221Thr).

GeneDx
Classification: Uncertain significance. Last evaluated: 2017-03-28. Review status: criteria provided, single submitter. Criteria: GeneDx Variant Classification (06012015). Collection method: clinical testing. Allele origin: germline. Affected: yes.
Comment: A variant of uncertain significance has been identified in the CDK5RAP2 gene. The M1221T variant has not been published as a pathogenic variant, nor has it been reported as a benign variant to our knowledge. The M1221T variant is not observed in large population cohorts (Lek et al., 2016; 1000 Genomes Consortium et al., 2015; Exome Variant Server). The M1221T variant is a non-conservative amino acid substitution, which is likely to impact secondary protein structure as these residues differ in polarity, charge, size and/or other properties. In silico analysis predicts this variant is probably damaging to the protein structure/function. However, this substitution occurs at a position where amino acids with similar properties to Methionine are tolerated across species. Therefore, based on the currently available information, it is unclear whether this variant is a pathogenic variant or a rare benign variant.

NM_018249.6(CDK5RAP2):c.3662T>C (p.Met1221Thr)

Gene: CDK5RAP2 (CDK5 regulatory subunit associated protein 2; minus strand). Cytogenetic location: 9q33.2.
Variant type: single nucleotide variant.
Coding change: c.3662T>C on transcript NM_018249.6 (MANE Select); coding-DNA position 3662, T replaced by C.
Protein change: p.Met1221Thr; replaces methionine 1221 with threonine.
Molecular consequence: missense variant. On other transcripts: non-coding transcript variant (5).
Genome position (GRCh38, 1-based): chr9:120,439,459, A>G on the plus strand (T>C on the coding strand, the complement: CDK5RAP2 is on the minus strand). VCF-style: chr9-120439459-A-G. GRCh37 (hg19) VCF-style: chr9-123201737-A-G.
Other names: c.3662T>C, p.Met1221Thr (NM_001011649.3); c.2972T>C, p.Met991Thr (NM_001272039.2); short protein forms M1221T, M991T.
Identifiers: ClinVar variation 426906 (VCV000426906.6), dbSNP rs1085307850, ClinGen allele CA374721033.